The following is an entry in ClinVar:

NM_000039.3(APOA1):c.79C>G (p.Pro27Ala)

Genes: APOA1 (apolipoprotein A1; minus strand), APOA1-AS (APOA1 antisense RNA; plus strand). Cytogenetic location: 11q23.3.
Variant type: single nucleotide variant.
Coding change: c.79C>G on transcript NM_000039.3 (MANE Select); coding-DNA position 79, C replaced by G.
Protein change: p.Pro27Ala; replaces proline 27 with alanine.
Molecular consequence: missense variant. On other transcripts: 5 prime UTR variant (1), intron variant (2).
Genome position (GRCh38, 1-based): chr11:116,837,122, G>C on the plus strand (C>G on the coding strand, the complement: APOA1 is on the minus strand). VCF-style: chr11-116837122-G-C. GRCh37 (hg19) VCF-style: chr11-116707838-G-C.
Other names: c.79C>G, p.Pro27Ala (NM_001318017.2, NM_001318018.2, NM_001425090.1 and 1 more transcripts); c.-249C>G (NM_001425092.1); c.-128+223C>G (NM_001425091.1); c.-240-9C>G (NM_001318021.2); short protein forms P27A.
Identifiers: ClinVar variation 3931659 (VCV003931659.1).

ClinVar aggregate classification (germline): Uncertain significance (1 of 4 stars; one submission).

Conditions:
Cardiovascular phenotype. Identifiers: MedGen CN230736.

Submission:

Ambry Genetics
Classification: Uncertain significance for Cardiovascular phenotype. Last evaluated: 2025-04-23. Review status: criteria provided, single submitter. Criteria: Ambry Variant Classification Scheme 2023. Collection method: clinical testing. Allele origin: germline.
Comment: The p.P27A variant (also known as c.79C>G), located in coding exon 2 of the APOA1 gene, results from a C to G substitution at nucleotide position 79. The proline at codon 27 is replaced by alanine, an amino acid with highly similar properties. This amino acid position is conserved. In addition, this alteration is predicted to be tolerated by in silico analysis. Based on the available evidence, the clinical significance of this variant remains unclear.